The following is an entry in ClinVar:

ClinVar aggregate classification (germline): Conflicting classifications of pathogenicity. Review status: criteria provided, conflicting classifications (1 of 4 stars). 4 submissions from 4 submitters: Uncertain significance (3); Likely benign (1). Last evaluated 2025-07-10.

Conditions:
Cardiovascular phenotype. Identifiers: MedGen CN230736.
Arrhythmogenic right ventricular cardiomyopathy (ARVD). Also called: Arrhythmogenic cardiomyopathy; Cardiomyopathy, ARVC; Arrhythmogenic right ventricular dysplasia; Arrhythmogenic Right Ventricular Cardiomyopathy (ARVC). Identifiers: Orphanet 247, MedGen C0349788, MeSH D019571, MONDO:0016587. Disease mechanism: loss of function. Inheritance: Various modes of inheritance.
Arrhythmogenic right ventricular dysplasia 9 (ARVD9). Also called: Arrhythmogenic Right Ventricular Dysplasia/Cardiomyopathy 9; ARRHYTHMOGENIC RIGHT VENTRICULAR DYSPLASIA, FAMILIAL, 9. Identifiers: MedGen C1836906, MONDO:0012180, OMIM 609040.
Cardiomyopathy (CMYO). Also called: Cardiomyopathies. Identifiers: Orphanet 167848, MedGen C0878544, MONDO:0004994, HP:0001638. Inheritance: Various modes of inheritance.

Allele frequency attached by ClinVar (database versions not stated): gnomAD 0.00001; gnomAD exomes 0.00001 and below 0.00001; ExAC 0.00002.
gnomAD v4.1: 6 of 1,582,654 alleles (0.00038%); highest among the groups gnomAD compares: Admixed American, 0.0052%; no homozygotes.

Submissions (4):

Color Diagnostics, LLC DBA Color Health
Classification: Likely benign for Cardiomyopathy. Last evaluated: 2025-07-10. Review status: criteria provided, single submitter. Criteria: ACMG Guidelines, 2015. Collection method: clinical testing. Allele origin: germline.

Labcorp Genetics (formerly Invitae), Labcorp
Classification: Uncertain significance for Arrhythmogenic right ventricular dysplasia 9. Last evaluated: 2024-10-17. Review status: criteria provided, single submitter. Criteria: Invitae Variant Classification Sherloc (09022015). Collection method: clinical testing. Allele origin: germline.
Comment: This sequence change replaces lysine, which is basic and polar, with arginine, which is basic and polar, at codon 37 of the PKP2 protein (p.Lys37Arg). This variant is present in population databases (rs781400459, gnomAD 0.007%). This missense change has been observed in individual(s) with clinical features of PKP2-related conditions (PMID: 28341588). ClinVar contains an entry for this variant (Variation ID: 666399). An algorithm developed to predict the effect of missense changes on protein structure and function outputs the following: PolyPhen-2: "Benign". The arginine amino acid residue is found in multiple mammalian species, which suggests that this missense change does not adversely affect protein function. In summary, the available evidence is currently insufficient to determine the role of this variant in disease. Therefore, it has been classified as a Variant of Uncertain Significance.

All of Us Research Program, National Institutes of Health
Classification: Uncertain significance for Arrhythmogenic right ventricular cardiomyopathy. Last evaluated: 2023-08-15. Review status: criteria provided, single submitter. Criteria: ACMG Guidelines, 2015. Collection method: clinical testing. Allele origin: germline. Inheritance: Autosomal dominant inheritance. Observed: 2 variant alleles, 2 heterozygotes.
Comment: This missense variant replaces lysine with arginine at codon 37 of the PKP2 protein. Computational prediction suggests that this variant may not impact protein structure and function (internally defined REVEL score threshold <= 0.5, PMID: 27666373). To our knowledge, functional studies have not been reported for this variant. This variant has been reported in an individual suspected of having a primary electrical disease (PMID: 28341588). This variant has been identified in 2/199474 chromosomes in the general population by the Genome Aggregation Database (gnomAD). The available evidence is insufficient to determine the role of this variant in disease conclusively. Therefore, this variant is classified as a Variant of Uncertain Significance.

This study involves interpretation of variants in research participants for the purpose of population health screening. Participant phenotype was not available at the time of variant classification. Additional details can be found in publication PMID: 35346344, PMCID: PMC8962531

Ambry Genetics
Classification: Uncertain significance for Cardiovascular phenotype. Last evaluated: 2022-10-11. Review status: criteria provided, single submitter. Criteria: Ambry Variant Classification Scheme 2023. Collection method: clinical testing. Allele origin: germline.
Comment: The p.K37R variant (also known as c.110A>G), located in coding exon 1 of the PKP2 gene, results from an A to G substitution at nucleotide position 110. The lysine at codon 37 is replaced by arginine, an amino acid with highly similar properties. This alteration has been reported in a primary electrical disease cohort with limited clinical details (Proost D et al. J Mol Diagn, 2017 05;19:445-459). This amino acid position is not well conserved in available vertebrate species. In addition, this alteration is predicted to be tolerated by in silico analysis. Since supporting evidence is limited at this time, the clinical significance of this alteration remains unclear.

Literature cited by the submitters: PubMed 28341588 (cited by 3 submitters).

NM_001005242.3(PKP2):c.110A>G (p.Lys37Arg)

Gene: PKP2 (plakophilin 2; minus strand). Cytogenetic location: 12p11.21.
Variant type: single nucleotide variant.
Coding change: c.110A>G on transcript NM_001005242.3 (MANE Select); coding-DNA position 110, A replaced by G.
Protein change: p.Lys37Arg; replaces lysine 37 with arginine.
Molecular consequence: missense variant.
Genome position (GRCh38, 1-based): chr12:32,896,622, T>C on the plus strand (A>G on the coding strand, the complement: PKP2 is on the minus strand). VCF-style: chr12-32896622-T-C. GRCh37 (hg19) VCF-style: chr12-33049556-T-C.
Other names: c.110A>G, p.Lys37Arg (NM_004572.4); short protein forms K37R.
Identifiers: ClinVar variation 666399 (VCV000666399.12), dbSNP rs781400459, ClinGen allele CA027077.